The following is an entry in ClinVar:

ClinVar aggregate classification (germline): Uncertain significance (1 of 4 stars; one submission).

Conditions:
Deficiency of adenosine deaminase 2. Also called: VASCULITIS, AUTOINFLAMMATION, IMMUNODEFICIENCY, AND HEMATOLOGIC DEFECTS SYNDROME; Polyarteritis nodosa, childhoood-onset; Adenosine Deaminase 2 Deficiency. Identifiers: Orphanet 404553, MedGen C3887654, MONDO:0014306, OMIM 615688, MONDO:0100317.

Allele frequency attached by ClinVar (database versions not stated): TOPMed below 0.00001; ExAC 0.00001.

Submission:

Labcorp Genetics (formerly Invitae), Labcorp
Classification: Uncertain significance for Deficiency of adenosine deaminase 2. Last evaluated: 2021-03-26. Review status: criteria provided, single submitter. Criteria: Invitae Variant Classification Sherloc (09022015). Collection method: clinical testing. Allele origin: germline.
Comment: In summary, the available evidence is currently insufficient to determine the role of this variant in disease. Therefore, it has been classified as a Variant of Uncertain Significance. Algorithms developed to predict the effect of sequence changes on RNA splicing suggest that this variant may create or strengthen a splice site, but this prediction has not been confirmed by published transcriptional studies. Algorithms developed to predict the effect of missense changes on protein structure and function output the following: SIFT: "Tolerated"; PolyPhen-2: "Benign"; Align-GVGD: "Class C0". The lysine amino acid residue is found in multiple mammalian species, suggesting that this missense change does not adversely affect protein function. These predictions have not been confirmed by published functional studies and their clinical significance is uncertain. This variant has not been reported in the literature in individuals with ADA2-related conditions. This variant is present in population databases (rs756882787, ExAC 0.001%). This sequence change replaces arginine with lysine at codon 141 of the ADA2 protein (p.Arg141Lys). The arginine residue is weakly conserved and there is a small physicochemical difference between arginine and lysine.

NM_001282225.2(ADA2):c.422G>A (p.Arg141Lys)

Gene: ADA2 (adenosine deaminase 2; minus strand). Cytogenetic location: 22q11.1.
Variant type: single nucleotide variant.
Coding change: c.422G>A on transcript NM_001282225.2 (MANE Select); coding-DNA position 422, G replaced by A.
Protein change: p.Arg141Lys; replaces arginine 141 with lysine.
Molecular consequence: missense variant.
Genome position (GRCh38, 1-based): chr22:17,207,191, C>T on the plus strand (G>A on the coding strand, the complement: ADA2 is on the minus strand). VCF-style: chr22-17207191-C-T. GRCh37 (hg19) VCF-style: chr22-17688081-C-T.
Other names: c.296G>A, p.Arg99Lys (NM_001282227.2, NM_001282228.2); c.62G>A, p.Arg21Lys (NM_001282229.2); c.422G>A, p.Arg141Lys (NM_001282226.2); short protein forms R141K, R21K, R99K.
Identifiers: ClinVar variation 1394124 (VCV001394124.10), dbSNP rs756882787, ClinGen allele CA10088234.